The following is an entry in ClinVar:

NM_015158.5(KANK1):c.3097G>C (p.Glu1033Gln)

Gene: KANK1 (KN motif and ankyrin repeat domains 1; plus strand). Cytogenetic location: 9p24.3.
Variant type: single nucleotide variant.
Coding change: c.3097G>C on transcript NM_015158.5 (MANE Select); coding-DNA position 3097, G replaced by C.
Protein change: p.Glu1033Gln; replaces glutamic acid 1033 with glutamine.
Molecular consequence: missense variant. On other transcripts: intron variant (6).
Genome position (GRCh38, 1-based): chr9:732,469, G>C. VCF-style: chr9-732469-G-C. GRCh37 (hg19) VCF-style: chr9-732469-G-C.
Other names: c.3097G>C, p.Glu1033Gln (NM_001256876.3, NM_001256877.3, NM_001354334.2 and 1 more transcripts); c.3043G>C, p.Glu1015Gln (NM_001354332.2); c.2623G>C, p.Glu875Gln (NM_001354333.2, NM_001354335.2, NM_001354337.2 and 2 more transcripts); c.2569G>C, p.Glu857Gln (NM_001354338.2, NM_001354340.2, NM_001354344.2); c.3005+1203G>C (NM_001354331.2); c.2477+1203G>C (NM_001354336.2, NM_001438411.1); c.2531+1203G>C (NM_001354339.2, NM_001354343.2, NM_001354342.2); short protein forms E857Q, E1033Q, E1015Q, E875Q.
Identifiers: ClinVar variation 4698023 (VCV004698023.1).

ClinVar aggregate classification (germline): Uncertain significance (1 of 4 stars; one submission).

Submission:

Labcorp Genetics (formerly Invitae), Labcorp
Classification: Uncertain significance. Last evaluated: 2025-08-12. Review status: criteria provided, single submitter. Criteria: Invitae Variant Classification Sherloc (09022015). Collection method: clinical testing. Allele origin: germline.
Comment: This sequence change replaces glutamic acid, which is acidic and polar, with glutamine, which is neutral and polar, at codon 1033 of the KANK1 protein (p.Glu1033Gln). This variant is not present in population databases (gnomAD no frequency). This variant has not been reported in the literature in individuals affected with KANK1-related conditions. An algorithm developed to predict the effect of missense changes on protein structure and function (PolyPhen-2) suggests that this variant is likely to be tolerated. In summary, the available evidence is currently insufficient to determine the role of this variant in disease. Therefore, it has been classified as a Variant of Uncertain Significance.